The following is an entry in ClinVar:

NM_000057.4(BLM):c.3992G>C (p.Arg1331Thr)

Gene: BLM (BLM RecQ like helicase; plus strand). Cytogenetic location: 15q26.1.
Variant type: single nucleotide variant.
Coding change: c.3992G>C on transcript NM_000057.4 (MANE Select); coding-DNA position 3992, G replaced by C.
Protein change: p.Arg1331Thr; replaces arginine 1331 with threonine.
Molecular consequence: missense variant.
Genome position (GRCh38, 1-based): chr15:90,811,322, G>C. VCF-style: chr15-90811322-G-C. GRCh37 (hg19) VCF-style: chr15-91354552-G-C.
Other names: c.3992G>C, p.Arg1331Thr (NM_001287246.2); c.3599G>C, p.Arg1200Thr (NM_001287247.2); c.2867G>C, p.Arg956Thr (NM_001287248.2); short protein forms R1200T, R956T, R1331T.
Identifiers: ClinVar variation 2197784 (VCV002197784.4), dbSNP rs1060500648, ClinGen allele CA393851095.

ClinVar aggregate classification (germline): Uncertain significance (1 of 4 stars; one submission).

Conditions:
Bloom syndrome (BLM). Also called: Bloom-Torre-Machacek syndrome. Identifiers: Orphanet 125, MedGen C0005859, MONDO:0008876, OMIM 210900.

Submission:

Labcorp Genetics (formerly Invitae), Labcorp
Classification: Uncertain significance for Bloom syndrome. Last evaluated: 2022-01-03. Review status: criteria provided, single submitter. Criteria: Invitae Variant Classification Sherloc (09022015). Collection method: clinical testing. Allele origin: germline.
Comment: This sequence change replaces arginine, which is basic and polar, with threonine, which is neutral and polar, at codon 1331 of the BLM protein (p.Arg1331Thr). This variant is not present in population databases (gnomAD no frequency). This variant has not been reported in the literature in individuals affected with BLM-related conditions. Algorithms developed to predict the effect of missense changes on protein structure and function (SIFT, PolyPhen-2, Align-GVGD) all suggest that this variant is likely to be tolerated. In summary, the available evidence is currently insufficient to determine the role of this variant in disease. Therefore, it has been classified as a Variant of Uncertain Significance.